The following is an entry in ClinVar:

ClinVar aggregate classification (germline): Uncertain significance. Review status: criteria provided, multiple submitters, no conflicts (2 of 4 stars). 2 submissions from 2 submitters: Uncertain significance (2). Last evaluated 2025-10-06.

Conditions:
Inborn genetic diseases. Identifiers: MedGen C0950123, MeSH D030342.

Allele frequency attached by ClinVar (database versions not stated): gnomAD 0.00001; gnomAD exomes 0.00001 and 0.00002; ExAC 0.00002; TOPMed 0.00002; 1000 Genomes Project 30x 0.00016; 1000 Genomes Project 0.00020.
gnomAD v4.1: 18 of 1,614,226 alleles (0.0011%); highest among the groups gnomAD compares: Admixed American, 0.022%; no homozygotes.

Submissions (2):

Labcorp Genetics (formerly Invitae), Labcorp
Classification: Uncertain significance. Last evaluated: 2025-10-06. Review status: criteria provided, single submitter. Criteria: Invitae Variant Classification Sherloc (09022015). Collection method: clinical testing. Allele origin: germline.
Comment: This sequence change replaces serine, which is neutral and polar, with asparagine, which is neutral and polar, at codon 729 of the MYH3 protein (p.Ser729Asn). This variant is present in population databases (rs535930727, gnomAD 0.009%). This variant has not been reported in the literature in individuals affected with MYH3-related conditions. ClinVar contains an entry for this variant (Variation ID: 1402960). Invitae Evidence Modeling of protein sequence and biophysical properties (such as structural, functional, and spatial information, amino acid conservation, physicochemical variation, residue mobility, and thermodynamic stability) indicates that this missense variant is not expected to disrupt MYH3 protein function with a negative predictive value of 95%. In summary, the available evidence is currently insufficient to determine the role of this variant in disease. Therefore, it has been classified as a Variant of Uncertain Significance.

Ambry Genetics
Classification: Uncertain significance for Inborn genetic diseases. Last evaluated: 2024-12-20. Review status: criteria provided, single submitter. Criteria: Ambry Variant Classification Scheme 2023. Collection method: clinical testing. Allele origin: germline.

NM_002470.4(MYH3):c.2186G>A (p.Ser729Asn)

Gene: MYH3 (myosin heavy chain 3; minus strand). Cytogenetic location: 17p13.1.
Variant type: single nucleotide variant.
Coding change: c.2186G>A on transcript NM_002470.4 (MANE Select); coding-DNA position 2186, G replaced by A.
Protein change: p.Ser729Asn; replaces serine 729 with asparagine.
Molecular consequence: missense variant.
Genome position (GRCh38, 1-based): chr17:10,640,666, C>T on the plus strand (G>A on the coding strand, the complement: MYH3 is on the minus strand). VCF-style: chr17-10640666-C-T. GRCh37 (hg19) VCF-style: chr17-10543983-C-T.
Other names: c.2186G>A (NM_002470.3); short protein forms S729N.
Identifiers: ClinVar variation 1402960 (VCV001402960.7), dbSNP rs535930727, ClinGen allele CA8392807.